The following is an entry in ClinVar:

NM_175914.5(HNF4A):c.256_257del (p.Lys86fs)

Gene: HNF4A (hepatocyte nuclear factor 4 alpha; plus strand). Cytogenetic location: 20q13.12.
Variant type: Deletion.
Coding change: c.256_257del on transcript NM_175914.5 (MANE Select); coding-DNA positions 256 to 257, 2 bases deleted (AA; older notation c.256_257delAA).
Protein change: p.Lys86fs; shifts the reading frame from lysine 86.
Molecular consequence: frameshift variant.
Genome position (GRCh38, 1-based): chr20:44,407,412-44,407,413, AA deleted. VCF-style (leftmost placement, unchanged base first): chr20-44407411-CAA-C. GRCh37 (hg19) VCF-style: chr20-43036051-CAA-C.
Other names: NM_175914.5:c.256_257del; c.322_323del, p.Lys108fs (NM_000457.6, NM_178849.3, NM_178850.3); c.256_257del, p.Lys86fs (NM_001030003.3, NM_001030004.3); c.301_302del, p.Lys101fs (NM_001258355.2); c.247_248del, p.Lys83fs (NM_001287182.2, NM_001287183.2, NM_001287184.2); short protein forms K101fs, K108fs, K83fs, K86fs.
Identifiers: ClinVar variation 3358876 (VCV003358876.1).

ClinVar aggregate classification (germline): Pathogenic (3 of 4 stars; one submission).

Conditions:
Monogenic diabetes. Identifiers: Orphanet 183625, MedGen C3888631, MONDO:0015967.

Submission:

ClinGen Monogenic Diabetes Variant Curation Expert Panel
Classification: Pathogenic for Monogenic diabetes. Last evaluated: 2024-09-10. Review status: reviewed by expert panel. Criteria: ClinGen Diabetes ACMG Specifications HNF4A V2.0.0. Collection method: curation. Allele origin: germline. Inheritance: Autosomal dominant inheritance.
Comment: The c.256_257del variant in the hepatocyte nuclear factor 4 alpha gene, HNF4A, causes a frameshift in the protein at codon 86 in transcript NM_175914.5, adding 25 novel amino acids before encountering a stop codon (p.(Lys86GlufsTer25)). This variant is absent from gnomAD v2.1.1 (PM2_Supporting). This variant, located in biologically-relevant exon 3 of 10, is predicted to lead to nonsense mediated decay in a gene in which loss-of-function is an established disease mechanism (PVS1; PMID: 23348805 ). This variant segregated with diabetes with 5 informative meioses in a single family (PP1_Strong; PMID: 10447526). In summary, c.256_257del meets the criteria to be classified as pathogenic for monogenic diabetes. ACMG/AMP criteria applied, as specified by the ClinGen MDEP VCEP (specification version 2.0.0, approved 10/11/2023): PVS1, PM2_Supporting, PP1_Strong.